The following is an entry in ClinVar:

ClinVar aggregate classification (germline): Uncertain significance (1 of 4 stars; one submission).

Allele frequency attached by ClinVar (database versions not stated): gnomAD exomes below 0.00001; ExAC 0.00001; TOPMed 0.00001.
gnomAD v4.1: 4 of 1,614,122 alleles (0.00025%); highest among the groups gnomAD compares: African/African-American, 0.0013%; no homozygotes.

Submission:

Labcorp Genetics (formerly Invitae), Labcorp
Classification: Uncertain significance. Last evaluated: 2023-01-24. Review status: criteria provided, single submitter. Criteria: Invitae Variant Classification Sherloc (09022015). Collection method: clinical testing. Allele origin: germline.
Comment: In summary, the available evidence is currently insufficient to determine the role of this variant in disease. Therefore, it has been classified as a Variant of Uncertain Significance. Advanced modeling of protein sequence and biophysical properties (such as structural, functional, and spatial information, amino acid conservation, physicochemical variation, residue mobility, and thermodynamic stability) performed at Invitae indicates that this missense variant is not expected to disrupt CTBP1 protein function. This variant has not been reported in the literature in individuals affected with CTBP1-related conditions. This variant is present in population databases (rs753967411, gnomAD 0.002%). This sequence change replaces glycine, which is neutral and non-polar, with arginine, which is basic and polar, at codon 111 of the CTBP1 protein (p.Gly111Arg).

NM_001012614.2(CTBP1):c.298G>A (p.Gly100Arg)

Gene: CTBP1 (C-terminal binding protein 1; minus strand). Cytogenetic location: 4p16.3.
Variant type: single nucleotide variant.
Coding change: c.298G>A on transcript NM_001012614.2 (MANE Select); coding-DNA position 298, G replaced by A.
Protein change: p.Gly100Arg; replaces glycine 100 with arginine.
Molecular consequence: missense variant.
Genome position (GRCh38, 1-based): chr4:1,228,208, C>T on the plus strand (G>A on the coding strand, the complement: CTBP1 is on the minus strand). VCF-style: chr4-1228208-C-T. GRCh37 (hg19) VCF-style: chr4-1221996-C-T.
Other names: c.298G>A, p.Gly100Arg (NM_001377192.1, NM_001377193.1, NM_001377187.1 and 4 more transcripts); c.331G>A, p.Gly111Arg (NM_001328.3, NM_001377186.1); short protein forms G100R, G111R.
Identifiers: ClinVar variation 2888943 (VCV002888943.3), dbSNP rs753967411, ClinGen allele CA2804459.